The following is an entry in ClinVar:

NM_012188.5(FOXI1):c.511A>G (p.Ile171Val)

Gene: FOXI1 (forkhead box I1; plus strand). Cytogenetic location: 5q35.1.
Variant type: single nucleotide variant.
Coding change: c.511A>G on transcript NM_012188.5 (MANE Select); coding-DNA position 511, A replaced by G.
Protein change: p.Ile171Val; replaces isoleucine 171 with valine.
Molecular consequence: missense variant.
Genome position (GRCh38, 1-based): chr5:170,106,468, A>G. VCF-style: chr5-170106468-A-G. GRCh37 (hg19) VCF-style: chr5-169533472-A-G.
Other names: c.511A>G, p.Ile171Val (NM_144769.4); short protein forms I171V.
Identifiers: ClinVar variation 4532244 (VCV004532244.1).
Genomic context (GRCh38, chr5:170,106,468, plus strand): 5'-CAGTACGTGGCCGACAACTTCCCCTTCTACAACAAGAGCAAGGCCGGCTGGCAGAACTCC[A>G]TCCGCCACAACCTGTCGCTCAACGACTGCTTCAAGAAGGTGCCCCGCGACGAGGACGACC-3'
Protein context (NP_036320.2, residues 161-181): NKSKAGWQNS[Ile171Val]RHNLSLNDCF

ClinVar aggregate classification (germline): Uncertain significance (1 of 4 stars; one submission).

Conditions:
Sensorineural hearing loss disorder. Also called: Sensorineural Deafness; Sensorineural hearing loss; Sensorineural hearing impairment. Identifiers: MedGen C0018784, MeSH D006319, MONDO:0020678, HP:0000407.

Submission:

Kunming Children's Hospital, Yunnan Key Laboratory of Children’s Major Disease Research
Classification: Uncertain significance for Sensorineural hearing loss disorder. Last evaluated: 2025-11-22. Review status: criteria provided, single submitter. Criteria: ACMG Guidelines, 2015. Collection method: clinical testing. Allele origin: paternal. Inheritance: Autosomal recessive inheritance. Affected: yes. Observed: 1 heterozygote.
Comment: The c.511A>G (p.Ile171Val) variant in FOXI1 is classified as Uncertain significance according to ACMG guidelines. Computational evidence suggests a potentially deleterious effect: REVEL predicts damaging (PP3_Moderate), and SIFT, PolyPhen-2, MutationTaster, and GERP+ all indicate a deleterious impact. The variant is absent from population databases (PM2_Supporting). No prior reports are available in the literature or in ClinVar. Due to limited evidence and incomplete segregation with the clinical phenotype, this variant is interpreted as VUS.